The following is an entry in ClinVar:

NM_004006.3(DMD):c.4500del (p.Gln1501fs)

Gene: DMD (dystrophin; minus strand). Cytogenetic location: Xp21.1.
Variant type: Deletion.
Coding change: c.4500del on transcript NM_004006.3 (MANE Select); coding-DNA position 4500, one base deleted (A; older notation c.4500delA).
Protein change: p.Gln1501fs; shifts the reading frame from glutamine 1501.
Molecular consequence: frameshift variant.
Genome position (GRCh38, 1-based): chrX:32,389,519, T deleted on the plus strand (A on the coding strand, the reverse complement: DMD is on the minus strand). VCF-style (leftmost placement, unchanged base first): chrX-32389518-GT-G. GRCh37 (hg19) VCF-style: chrX-32407635-GT-G.
Other names: c.4500delA (NM_004006.2); c.4476del, p.Gln1493fs (NM_000109.4); c.4488del, p.Gln1497fs (NM_004009.3); c.4131del, p.Gln1378fs (NM_004010.3); c.477del, p.Gln160fs (NM_004011.4); c.468del, p.Gln157fs (NM_004012.4); short protein forms Q1497fs, Q157fs, Q1378fs, Q1501fs, Q160fs, Q1493fs.
Identifiers: ClinVar variation 1696238 (VCV001696238.2), dbSNP rs398123959, ClinGen allele CA267030.

ClinVar aggregate classification (germline): Pathogenic/Likely pathogenic. Review status: criteria provided, multiple submitters, no conflicts (2 of 4 stars). 2 submissions from 2 submitters: Pathogenic (1); Likely pathogenic (1). Last evaluated 2025-10-12.

Conditions:
Duchenne muscular dystrophy (DMD). Also called: MUSCULAR DYSTROPHY, PSEUDOHYPERTROPHIC PROGRESSIVE, DUCHENNE TYPE; Duchenne Muscular Dystrophy (DMD). Identifiers: Orphanet 98896, MedGen C0013264, MONDO:0010679, OMIM 310200.
Neuromuscular disease caused by qualitative or quantitative defects of dystrophin. Also called: Qualitative or quantitative defects of dystrophin. Identifiers: Orphanet 207085, MedGen C5679787, MONDO:0016147.

Submissions (2):

Labcorp Genetics (formerly Invitae), Labcorp
Classification: Pathogenic for Duchenne muscular dystrophy. Last evaluated: 2025-10-12. Review status: criteria provided, single submitter. Criteria: Invitae Variant Classification Sherloc (09022015). Collection method: clinical testing. Allele origin: germline.
Comment: This sequence change creates a premature translational stop signal (p.Gln1501Serfs*2) in the DMD gene. It is expected to result in an absent or disrupted protein product. Loss-of-function variants in DMD are known to be pathogenic (PMID: 16770791, 25007885). This variant is not present in population databases (gnomAD no frequency). This variant has not been reported in the literature in individuals affected with DMD-related conditions. ClinVar contains an entry for this variant (Variation ID: 1696238). For these reasons, this variant has been classified as Pathogenic.

Women's Health and Genetics/Laboratory Corporation of America, LabCorp
Classification: Likely pathogenic for Neuromuscular disease caused by qualitative or quantitative defects of dystrophin. Last evaluated: 2022-05-23. Review status: criteria provided, single submitter. Criteria: LabCorp Variant Classification Summary - May 2015. Collection method: clinical testing. Allele origin: germline.
Comment: Variant summary: DMD c.4500delA (p.Gln1501SerfsX2) results in a premature termination codon, predicted to cause a truncation of the encoded protein or absence of the protein due to nonsense mediated decay, which are commonly known mechanisms for disease. Truncations downstream of this position have been classified as pathogenic by our laboratory. The variant was absent in 183078 control chromosomes (gnomAD). To our knowledge, no occurrence of c.4500delA in individuals affected with Dystrophinopathies and no experimental evidence demonstrating its impact on protein function have been reported. No clinical diagnostic laboratories have submitted clinical-significance assessments for this variant to ClinVar after 2014. Based on the evidence outlined above, the variant was classified as likely pathogenic.

Literature cited by the submitters: PubMed 16770791 (cited by Labcorp Genetics (formerly Invitae), Labcorp); PubMed 25007885 (cited by Labcorp Genetics (formerly Invitae), Labcorp).